The following is an entry in ClinVar:

ClinVar aggregate classification (germline): Uncertain significance (1 of 4 stars; one submission).

Allele frequency attached by ClinVar (database versions not stated): gnomAD exomes below 0.00001; TOPMed below 0.00001; ExAC 0.00001; gnomAD 0.00001; 1000 Genomes Project 30x 0.00016; 1000 Genomes Project 0.00020.
gnomAD v4.1: 3 of 1,614,176 alleles (0.00019%); highest among the groups gnomAD compares: Admixed American, 0.005%; no homozygotes.

Submission:

Labcorp Genetics (formerly Invitae), Labcorp
Classification: Uncertain significance. Last evaluated: 2023-08-17. Review status: criteria provided, single submitter. Criteria: Invitae Variant Classification Sherloc (09022015). Collection method: clinical testing. Allele origin: germline.
Comment: This sequence change replaces serine, which is neutral and polar, with phenylalanine, which is neutral and non-polar, at codon 2923 of the LAMA1 protein (p.Ser2923Phe). This variant is present in population databases (rs540403201, gnomAD 0.003%). This variant has not been reported in the literature in individuals affected with LAMA1-related conditions. ClinVar contains an entry for this variant (Variation ID: 1985835). Advanced modeling of protein sequence and biophysical properties (such as structural, functional, and spatial information, amino acid conservation, physicochemical variation, residue mobility, and thermodynamic stability) performed at Invitae indicates that this missense variant is not expected to disrupt LAMA1 protein function. In summary, the available evidence is currently insufficient to determine the role of this variant in disease. Therefore, it has been classified as a Variant of Uncertain Significance.

NM_005559.4(LAMA1):c.8768C>T (p.Ser2923Phe)

Gene: LAMA1 (laminin subunit alpha 1; minus strand). Cytogenetic location: 18p11.31.
Variant type: single nucleotide variant.
Coding change: c.8768C>T on transcript NM_005559.4 (MANE Select); coding-DNA position 8768, C replaced by T.
Protein change: p.Ser2923Phe; replaces serine 2923 with phenylalanine.
Molecular consequence: missense variant.
Genome position (GRCh38, 1-based): chr18:6,947,239, G>A on the plus strand (C>T on the coding strand, the complement: LAMA1 is on the minus strand). VCF-style: chr18-6947239-G-A. GRCh37 (hg19) VCF-style: chr18-6947238-G-A.
Other names: short protein forms S2923F.
Identifiers: ClinVar variation 1985835 (VCV001985835.2), dbSNP rs540403201, ClinGen allele CA8880356.
Genomic context (GRCh38, chr18:6,947,239, plus strand): 5'-TCTAGTCCAATGGCATCCACTTTGGCAGTGCTGATCCCCAGGAGGACGCCATTCTGCGAG[G>A]AGGTTCGAAACTCCAGTGTGATGTTCACATCTGACTGGACTTTGTAGCCCTCTTTGACTG-3'
Protein context (NP_005550.2, residues 2913-2933): DVNITLEFRT[Ser2923Phe]SQNGVLLGIS